The following is an entry in ClinVar:

ClinVar aggregate classification (germline): Uncertain significance (1 of 4 stars; one submission).

Submission:

Women's Health and Genetics/Laboratory Corporation of America, LabCorp
Classification: Uncertain significance. Last evaluated: 2025-04-22. Review status: criteria provided, single submitter. Criteria: LabCorp Variant Classification Summary - May 2015. Collection method: clinical testing. Allele origin: germline.
Comment: Variant summary: ABCC8 c.2347G>A (p.Val783Met) results in a conservative amino acid change located in the first ATP-binding domain (IPR003439) of the encoded protein sequence. Four of five in-silico tools predict a damaging effect of the variant on protein function. The variant allele was found at a frequency of 1.2e-06 in 1607264 control chromosomes in the gnomAD database (v4.1 dataset). The available data on variant occurrences in the general population are insufficient to allow any conclusion about variant significance. To our knowledge, no experimental evidence demonstrating an impact on protein function has been reported. No submitters have cited clinical-significance assessments for this variant to ClinVar. Based on the evidence outlined above, the variant was classified as uncertain significance.

Literature cited by the submitters: PubMed 35921062.

NM_000352.6(ABCC8):c.2347G>A (p.Val783Met)

Genes: ABCC8 (ATP binding cassette subfamily C member 8; minus strand), LOC110121471 (VISTA enhancer hs1977; plus strand). Cytogenetic location: 11p15.1.
Variant type: single nucleotide variant.
Coding change: c.2347G>A on transcript NM_000352.6 (MANE Select); coding-DNA position 2347, G replaced by A.
Protein change: p.Val783Met; replaces valine 783 with methionine.
Molecular consequence: missense variant. On other transcripts: non-coding transcript variant (1).
Genome position (GRCh38, 1-based): chr11:17,414,555, C>T on the plus strand (G>A on the coding strand, the complement: ABCC8 is on the minus strand). VCF-style: chr11-17414555-C-T. GRCh37 (hg19) VCF-style: chr11-17436102-C-T.
Other names: c.2350G>A, p.Val784Met (NM_001287174.3); c.2413G>A, p.Val805Met (NM_001351295.2); c.2347G>A, p.Val783Met (NM_001351296.2); c.2344G>A, p.Val782Met (NM_001351297.2); short protein forms V782M, V783M, V784M, V805M.
Identifiers: ClinVar variation 3896124 (VCV003896124.2).